The following is an entry in ClinVar:

NM_000492.4(CFTR):c.4093A>G (p.Lys1365Glu)

Gene: CFTR (CF transmembrane conductance regulator; plus strand). Cytogenetic location: 7q31.2.
Variant type: single nucleotide variant.
Coding change: c.4093A>G on transcript NM_000492.4 (MANE Select); coding-DNA position 4093, A replaced by G.
Protein change: p.Lys1365Glu; replaces lysine 1365 with glutamic acid.
Molecular consequence: missense variant.
Genome position (GRCh38, 1-based): chr7:117,664,817, A>G. VCF-style: chr7-117664817-A-G. GRCh37 (hg19) VCF-style: chr7-117304871-A-G.
Other names: short protein forms K1365E.
Identifiers: ClinVar variation 2453643 (VCV002453643.2), dbSNP rs2485181926, ClinGen allele CA368982795.

ClinVar aggregate classification (germline): Uncertain significance (1 of 4 stars; one submission).

Conditions:
Cystic fibrosis (CF). Also called: MUCOVISCIDOSIS. Identifiers: Orphanet 586, MedGen C0010674, MONDO:0009061, OMIM 219700. Disease mechanism: loss of function.

Submission:

Ambry Genetics
Classification: Uncertain significance for Cystic fibrosis. Last evaluated: 2023-01-16. Review status: criteria provided, single submitter. Criteria: Ambry Variant Classification Scheme 2023. Collection method: clinical testing. Allele origin: germline.
Comment: The p.K1365E variant (also known as c.4093A>G), located in coding exon 25 of the CFTR gene, results from an A to G substitution at nucleotide position 4093. The lysine at codon 1365 is replaced by glutamic acid, an amino acid with similar properties. This amino acid position is conserved. In addition, this alteration is predicted to be deleterious by in silico analysis. Since supporting evidence is limited at this time, the clinical significance of this alteration remains unclear.